The following is an entry in ClinVar:

NM_001963.6(EGF):c.3528A>C (p.Glu1176Asp)

Gene: EGF (epidermal growth factor; plus strand). Cytogenetic location: 4q25.
Variant type: single nucleotide variant.
Coding change: c.3528A>C on transcript NM_001963.6 (MANE Select); coding-DNA position 3528, A replaced by C.
Protein change: p.Glu1176Asp; replaces glutamic acid 1176 with aspartic acid.
Molecular consequence: missense variant. On other transcripts: 3 prime UTR variant (1).
Genome position (GRCh38, 1-based): chr4:110,011,359, A>C. VCF-style: chr4-110011359-A-C. GRCh37 (hg19) VCF-style: chr4-110932515-A-C.
Other names: c.3405A>C, p.Glu1135Asp (NM_001178130.3); c.3402A>C, p.Glu1134Asp (NM_001178131.3); c.*47A>C (NM_001357021.2); short protein forms E1134D, E1176D, E1135D.
Identifiers: ClinVar variation 2976284 (VCV002976284.3), dbSNP rs1376347465, ClinGen allele CA357875793.

ClinVar aggregate classification (germline): Uncertain significance (1 of 4 stars; one submission).

Allele frequency attached by ClinVar (database versions not stated): gnomAD exomes below 0.00001; TOPMed below 0.00001.
gnomAD v4.1: 3 of 1,614,148 alleles (0.00019%); highest among the groups gnomAD compares: Admixed American, 0.0033%; no homozygotes.

Submission:

Labcorp Genetics (formerly Invitae), Labcorp
Classification: Uncertain significance. Last evaluated: 2025-01-06. Review status: criteria provided, single submitter. Criteria: Invitae Variant Classification Sherloc (09022015). Collection method: clinical testing. Allele origin: germline.
Comment: This sequence change replaces glutamic acid, which is acidic and polar, with aspartic acid, which is acidic and polar, at codon 1176 of the EGF protein (p.Glu1176Asp). This variant is present in population databases (no rsID available, gnomAD 0.003%). This variant has not been reported in the literature in individuals affected with EGF-related conditions. ClinVar contains an entry for this variant (Variation ID: 2976284). An algorithm developed to predict the effect of missense changes on protein structure and function outputs the following: PolyPhen-2: "Benign". The aspartic acid amino acid residue is found in multiple mammalian species, which suggests that this missense change does not adversely affect protein function. In summary, the available evidence is currently insufficient to determine the role of this variant in disease. Therefore, it has been classified as a Variant of Uncertain Significance.